The following is an entry in ClinVar:

NM_001164749.2(NPAS3):c.1368C>T (p.Ser456=)

Gene: NPAS3 (neuronal PAS domain protein 3; plus strand). Cytogenetic location: 14q13.1.
Variant type: single nucleotide variant.
Coding change: c.1368C>T on transcript NM_001164749.2 (MANE Select); coding-DNA position 1368, C replaced by T.
Protein change: p.Ser456=; no amino-acid change (serine 456 retained).
Molecular consequence: synonymous variant.
Genome position (GRCh38, 1-based): chr14:33,797,523, C>T. VCF-style: chr14-33797523-C-T. GRCh37 (hg19) VCF-style: chr14-34266729-C-T.
Other names: c.1278C>T, p.Ser426= (NM_001165893.2); c.1272C>T, p.Ser424= (NM_022123.3); c.1329C>T, p.Ser443= (NM_173159.3).
Identifiers: ClinVar variation 771468 (VCV000771468.14), dbSNP rs140754640, ClinGen allele CA7150766.

ClinVar aggregate classification (germline): Benign/Likely benign. Review status: criteria provided, multiple submitters, no conflicts (2 of 4 stars). 2 submissions from 2 submitters: Benign (1); Likely benign (1). Last evaluated 2025-06-01.

Allele frequency attached by ClinVar (database versions not stated): ESP Exome Variant Server 0.00008; gnomAD 0.00012 and 0.00039; TOPMed 0.00034; gnomAD exomes 0.00061 and 0.00163; ExAC 0.00161; 1000 Genomes Project 30x 0.00219; 1000 Genomes Project 0.00240.
gnomAD v4.1: 960 of 1,614,096 alleles (0.059%); highest among the groups gnomAD compares: South Asian, 0.76%; 7 homozygotes.

Submissions (2):

CeGaT Center for Human Genetics Tuebingen
Classification: Likely benign. Last evaluated: 2025-06-01. Review status: criteria provided, single submitter. Criteria: CeGaT Center For Human Genetics Tuebingen Variant Classification Criteria Version 2. Collection method: clinical testing. Allele origin: germline. Affected: yes. Observed: 1 variant allele.
Comment: NPAS3: BP4, BP7

Labcorp Genetics (formerly Invitae), Labcorp
Classification: Benign. Last evaluated: 2019-12-31. Review status: criteria provided, single submitter. Criteria: Invitae Variant Classification Sherloc (09022015). Collection method: clinical testing. Allele origin: germline.